The following is an entry in ClinVar:

NM_001958.5(EEF1A2):c.773-15C>T

Gene: EEF1A2 (eukaryotic translation elongation factor 1 alpha 2; minus strand). Cytogenetic location: 20q13.33.
Variant type: single nucleotide variant.
Coding change: c.773-15C>T on transcript NM_001958.5 (MANE Select); 15 bases into the intron before coding-DNA position 773, C replaced by T.
Molecular consequence: intron variant.
Genome position (GRCh38, 1-based): chr20:63,490,750, G>A on the plus strand (C>T on the coding strand, the complement: EEF1A2 is on the minus strand). VCF-style: chr20-63490750-G-A. GRCh37 (hg19) VCF-style: chr20-62122103-G-A.
Identifiers: ClinVar variation 388687 (VCV000388687.9), dbSNP rs780584279, ClinGen allele CA9959024.

ClinVar aggregate classification (germline): Likely benign. Review status: criteria provided, multiple submitters, no conflicts (2 of 4 stars). 2 submissions from 2 submitters: Likely benign (2). Last evaluated 2022-06-13.

Conditions:
Developmental and epileptic encephalopathy, 33 (DEE33). Also called: Epileptic encephalopathy, early infantile, 33. Identifiers: Orphanet 442835, MedGen C4225337, MONDO:0014625, OMIM 616409.

Allele frequency attached by ClinVar (database versions not stated): gnomAD exomes below 0.00001; ExAC 0.00001; gnomAD 0.00001 and 0.00002; TOPMed 0.00002.
gnomAD v4.1: 11 of 1,584,056 alleles (0.00069%); highest among the groups gnomAD compares: African/African-American, 0.0027%; no homozygotes.

Submissions (2):

Labcorp Genetics (formerly Invitae), Labcorp
Classification: Likely benign for Developmental and epileptic encephalopathy, 33. Last evaluated: 2022-06-13. Review status: criteria provided, single submitter. Criteria: Invitae Variant Classification Sherloc (09022015). Collection method: clinical testing. Allele origin: germline.

GeneDx
Classification: Likely benign. Last evaluated: 2016-08-16. Review status: criteria provided, single submitter. Criteria: GeneDx Variant Classification (06012015). Collection method: clinical testing. Allele origin: germline. Affected: yes.
Comment: This variant is considered likely benign or benign based on one or more of the following criteria: it is a conservative change, it occurs at a poorly conserved position in the protein, it is predicted to be benign by multiple in silico algorithms, and/or has population frequency not consistent with disease.